The following is an entry in ClinVar:

NM_000384.3(APOB):c.6917C>A (p.Ser2306Ter)

Gene: APOB (apolipoprotein B; minus strand). Cytogenetic location: 2p24.1.
Variant type: single nucleotide variant.
Coding change: c.6917C>A on transcript NM_000384.3 (MANE Select); coding-DNA position 6917, C replaced by A.
Protein change: p.Ser2306Ter; replaces serine 2306 with a stop codon.
Molecular consequence: nonsense.
Genome position (GRCh38, 1-based): chr2:21,009,951, G>T on the plus strand (C>A on the coding strand, the complement: APOB is on the minus strand). VCF-style: chr2-21009951-G-T. GRCh37 (hg19) VCF-style: chr2-21232823-G-T.
Other names: short protein forms S2306*.
Identifiers: ClinVar variation 4823125 (VCV004823125.4).
Genomic context (GRCh38, chr2:21,009,951, plus strand): 5'-CCAATAAGATTTATAACAAAGTGTTTGACATGCTCAAGAATGTCATTTATTCTTTCAAAT[G>T]AAATTGTAGTTCCCAATTGATCTAAAAGCACTCTAACATCAATAGCCTCAATGTGTTGTT-3'

ClinVar aggregate classification (germline): Pathogenic (1 of 4 stars; one submission).

Submission:

CeGaT Center for Human Genetics Tuebingen
Classification: Pathogenic. Last evaluated: 2026-01-01. Review status: criteria provided, single submitter. Criteria: CeGaT Center For Human Genetics Tuebingen Variant Classification Criteria Version 2. Collection method: clinical testing. Allele origin: germline. Affected: yes. Observed: 1 variant allele.
Comment: APOB: PVS1, PM2